The following is an entry in ClinVar:

NM_007347.5(AP4E1):c.965A>G (p.His322Arg)

Gene: AP4E1 (adaptor related protein complex 4 subunit epsilon 1; plus strand). Cytogenetic location: 15q21.2.
Variant type: single nucleotide variant.
Coding change: c.965A>G on transcript NM_007347.5 (MANE Select); coding-DNA position 965, A replaced by G.
Protein change: p.His322Arg; replaces histidine 322 with arginine.
Molecular consequence: missense variant.
Genome position (GRCh38, 1-based): chr15:50,941,463, A>G. VCF-style: chr15-50941463-A-G. GRCh37 (hg19) VCF-style: chr15-51233660-A-G.
Other names: c.740A>G, p.His247Arg (NM_001252127.2); short protein forms H247R, H322R.
Identifiers: ClinVar variation 1503723 (VCV001503723.8), dbSNP rs1487752504, ClinGen allele CA392416599.
Genomic context (GRCh38, chr15:50,941,463, plus strand): 5'-TTACCATGATACCTGCCATTTTTATGTTTCTTTTTCTAGCTATTTTGTTTGAATGTGTGC[A>G]TACAGTCTATTCTATTTATCCTAAATCGGAATTACTTGAGAAGGCTGCCAAGTGCATTGG-3'
Protein context (NP_031373.2, residues 312-332): VTYAILFECV[His322Arg]TVYSIYPKSE

ClinVar aggregate classification (germline): Uncertain significance (1 of 4 stars; one submission).

Conditions:
Spastic paraplegia. Identifiers: MedGen C0037772, HP:0001258.

Allele frequency attached by ClinVar (database versions not stated): gnomAD exomes below 0.00001.

Submission:

Labcorp Genetics (formerly Invitae), Labcorp
Classification: Uncertain significance for Spastic paraplegia. Last evaluated: 2022-03-18. Review status: criteria provided, single submitter. Criteria: Invitae Variant Classification Sherloc (09022015). Collection method: clinical testing. Allele origin: germline.
Comment: In summary, the available evidence is currently insufficient to determine the role of this variant in disease. Therefore, it has been classified as a Variant of Uncertain Significance. Algorithms developed to predict the effect of missense changes on protein structure and function (SIFT, PolyPhen-2, Align-GVGD) all suggest that this variant is likely to be tolerated. This variant has not been reported in the literature in individuals affected with AP4E1-related conditions. The frequency data for this variant in the population databases is considered unreliable, as metrics indicate poor data quality at this position in the gnomAD database. This sequence change replaces histidine, which is basic and polar, with arginine, which is basic and polar, at codon 322 of the AP4E1 protein (p.His322Arg).